The following is an entry in ClinVar:

NC_000017.10:g.(?_7124120)_(7128078_?)del

Gene: ACADVL (acyl-CoA dehydrogenase very long chain; plus strand). Cytogenetic location: 17p13.1.
Variant type: Deletion.
Identifiers: ClinVar variation 2422138 (VCV002422138.4).

ClinVar aggregate classification (germline): Pathogenic (1 of 4 stars; one submission).

Conditions:
Very long chain acyl-CoA dehydrogenase deficiency (ACADVLD). Also called: Very Long-Chain Acyl-Coenzyme A Dehydrogenase Deficiency; VLCAD Deficiency. Identifiers: Orphanet 26793, MedGen C3887523, MONDO:0008723, OMIM 201475.

Submission:

Labcorp Genetics (formerly Invitae), Labcorp
Classification: Pathogenic for Very long chain acyl-CoA dehydrogenase deficiency. Last evaluated: 2022-01-22. Review status: criteria provided, single submitter. Criteria: Invitae Variant Classification Sherloc (09022015). Collection method: clinical testing. Allele origin: germline.
Comment: For these reasons, this variant has been classified as Pathogenic. This variant disrupts a region of the ACADVL protein in which other variant(s) (p.Glu130del) have been determined to be pathogenic (PMID: 8554073, 10431122, 22847164, 27209629). This suggests that this is a clinically significant region of the protein, and that variants that disrupt it are likely to be disease-causing. This variant has not been reported in the literature in individuals affected with ACADVL-related conditions. This variant results in the deletion of part of exon 5 and exons 6-18 (c.313_1751+45del) of the ACADVL gene. It is expected to disrupt RNA splicing. Variants that disrupt the donor or acceptor splice site typically lead to a loss of protein function (PMID: 16199547), and loss-of-function variants in ACADVL are known to be pathogenic (PMID: 9973285, 11590124).

Literature cited by the submitters: PubMed 8554073; PubMed 10431122; PubMed 22847164; PubMed 27209629; PubMed 16199547; PubMed 9973285; PubMed 11590124.